The following is an entry in ClinVar:

NM_002691.4(POLD1):c.1696G>A (p.Glu566Lys)

Gene: POLD1 (DNA polymerase delta 1, catalytic subunit; plus strand). Cytogenetic location: 19q13.33.
Variant type: single nucleotide variant.
Coding change: c.1696G>A on transcript NM_002691.4 (MANE Select); coding-DNA position 1696, G replaced by A.
Protein change: p.Glu566Lys; replaces glutamic acid 566 with lysine.
Molecular consequence: missense variant. On other transcripts: non-coding transcript variant (1).
Genome position (GRCh38, 1-based): chr19:50,407,336, G>A. VCF-style: chr19-50407336-G-A. GRCh37 (hg19) VCF-style: chr19-50910593-G-A.
Other names: c.1696G>A, p.Glu566Lys (NM_001256849.1, NM_001308632.1); c.1696G>A (NM_002691.2); short protein forms E566K.
Identifiers: ClinVar variation 407947 (VCV000407947.34), dbSNP rs372429157, ClinGen allele CA9596237.

ClinVar aggregate classification (germline): Conflicting classifications of pathogenicity. Review status: criteria provided, conflicting classifications (1 of 4 stars). 10 submissions from 10 submitters: Uncertain significance (9); Likely benign (1). Last evaluated 2026-01-26.

Conditions:
Familial colorectal cancer type X. Identifiers: Orphanet 440437, MedGen C3896578, MONDO:0018604.
POLD1-related polyposis and colorectal cancer syndrome (CRCS10). Also called: Colorectal cancer, susceptibility to, 10; Colorectal cancer 10; COLORECTAL CANCER, SUSCEPTIBILITY TO, ON CHROMOSOME 19q. Identifiers: Orphanet 220460, MedGen C2675481, MONDO:0012953, OMIM 612591.
POLD1-related disorder. Also called: POLD1-related disorders; POLD1-related condition.
Hereditary cancer-predisposing syndrome. Also called: Neoplastic Syndromes, Hereditary; Hereditary neoplastic syndrome; Hereditary Cancer Syndrome; Tumor predisposition. Identifiers: Orphanet 140162, MedGen C0027672, MeSH D009386, MONDO:0015356.

Allele frequency attached by ClinVar (database versions not stated): ExAC 0.00004; gnomAD 0.00005 and 0.00006; TOPMed 0.00005; gnomAD exomes 0.00006 and 0.00008; ESP Exome Variant Server 0.00008.
gnomAD v4.1: 118 of 1,612,564 alleles (0.0073%); highest among the groups gnomAD compares: Non-Finnish European, 0.0092%; no homozygotes.

Submissions (10):

Labcorp Genetics (formerly Invitae), Labcorp
Classification: Uncertain significance for POLD1-related polyposis and colorectal cancer syndrome. Last evaluated: 2026-01-26. Review status: criteria provided, single submitter. Criteria: Invitae Variant Classification Sherloc (09022015). Collection method: clinical testing. Allele origin: germline.
Comment: This sequence change replaces glutamic acid, which is acidic and polar, with lysine, which is basic and polar, at codon 566 of the POLD1 protein (p.Glu566Lys). This variant is present in population databases (rs372429157, gnomAD 0.008%). This missense change has been observed in individual(s) with clinical features of POLD1-related conditions (PMID: 31422818, 34761457). ClinVar contains an entry for this variant (Variation ID: 407947). Invitae Evidence Modeling of protein sequence and biophysical properties (such as structural, functional, and spatial information, amino acid conservation, physicochemical variation, residue mobility, and thermodynamic stability) indicates that this missense variant is not expected to disrupt POLD1 protein function with a negative predictive value of 80%. In summary, the available evidence is currently insufficient to determine the role of this variant in disease. Therefore, it has been classified as a Variant of Uncertain Significance.

PreventionGenetics, part of Exact Sciences
Classification: Uncertain significance for POLD1-related condition. Last evaluated: 2026-01-06. Review status: criteria provided, single submitter. Criteria: ACMG Guidelines, 2015. Collection method: clinical testing. Allele origin: germline.
Comment: The POLD1 c.1696G>A variant is predicted to result in the amino acid substitution p.Glu566Lys. To our knowledge, this variant has not been reported in the literature. This variant is reported in 0.010% of alleles in individuals of European (Non-Finnish) descent in gnomAD, which may be too common to be a primary cause of disease. This variant is interpreted as uncertain or likely benign in the ClinVar database. Although we suspect that this variant may be benign, at this time, the clinical significance of this variant is uncertain due to the absence of conclusive functional and genetic evidence.

GeneDx
Classification: Uncertain significance. Last evaluated: 2025-04-15. Review status: criteria provided, single submitter. Criteria: GeneDx Variant Classification Process June 2021. Collection method: clinical testing. Allele origin: germline. Affected: yes.
Comment: In silico analysis indicates that this missense variant does not alter protein structure/function; Has not been previously published as pathogenic or benign to our knowledge

Women's Health and Genetics/Laboratory Corporation of America, LabCorp
Classification: Uncertain significance. Last evaluated: 2025-04-07. Review status: criteria provided, single submitter. Criteria: LabCorp Variant Classification Summary - May 2015. Collection method: clinical testing. Allele origin: germline.
Comment: Variant summary: POLD1 c.1696G>A (p.Glu566Lys) results in a conservative amino acid change in the encoded protein sequence. Five of five in-silico tools predict a benign effect of the variant on protein function. The variant allele was found at a frequency of 6e-05 in 249026 control chromosomes. The observed variant frequency is approximately 4.24 fold of the estimated maximal expected allele frequency for a pathogenic variant in POLD1 causing Colorectal Cancer phenotype (1.4e-05). However, these data must be interpreted with caution as the sequencing technology utilized does not distinguish between this gene and highly homologous pseudogenes. c.1696G>A has been reported in the literature in individuals affected with colorectal cancer and anaplastic astrocytoma (e.g., Mikaeel_2022, Muskens_2020). These reports do not provide unequivocal conclusions about association of the variant with Colorectal Cancer. To our knowledge, no experimental evidence demonstrating an impact on protein function has been reported. The following publications have been ascertained in the context of this evaluation (PMID: 31422818, 34761457, 31970404). ClinVar contains an entry for this variant (Variation ID: 407947). Based on the evidence outlined above, the variant was classified as uncertain significance.

Center for Genomic Medicine, Rigshospitalet, Copenhagen University Hospital
Classification: Uncertain significance. Last evaluated: 2025-03-04. Review status: criteria provided, single submitter. Criteria: ACMG Guidelines, 2015. Collection method: clinical testing. Allele origin: germline.

Ambry Genetics
Classification: Likely benign for Hereditary cancer-predisposing syndrome. Last evaluated: 2024-03-07. Review status: criteria provided, single submitter. Criteria: Ambry Variant Classification Scheme 2023. Collection method: clinical testing. Allele origin: germline.

St. Jude Molecular Pathology, St. Jude Children's Research Hospital
Classification: Uncertain significance for POLD1-related polyposis and colorectal cancer syndrome. Last evaluated: 2024-01-11. Review status: criteria provided, single submitter. Criteria: St. Jude Assertion Criteria 2020. Collection method: clinical testing. Allele origin: germline.
Comment: The POLD1 c.1696G>A (p.Glu566Lys) missense change has a maximum subpopulation frequency of 0.01% in gnomAD v2.1.1. The in silico tool REVEL predicts a benign effect on protein function, but this prediction has not been confirmed by functional studies. This variant has not been reported in the literature in individuals with POLD1-related disease. In summary, the evidence currently available is insufficient to determine the clinical significance of this variant. It has therefore been classified as of uncertain significance.

Department of Pathology and Laboratory Medicine, Sinai Health System
Classification: Uncertain significance for Familial colorectal cancer type X. Last evaluated: 2022-09-27. Review status: criteria provided, single submitter. Criteria: ACMG Guidelines, 2015. Collection method: clinical testing. Allele origin: germline. Affected: yes.

Quest Diagnostics Nichols Institute San Juan Capistrano
Classification: Uncertain significance. Last evaluated: 2020-01-03. Review status: criteria provided, single submitter. Criteria: Quest Diagnostics criteria. Collection method: clinical testing. Allele origin: unknown.

Laboratory for Molecular Medicine, Mass General Brigham Personalized Medicine
Classification: Uncertain significance. Last evaluated: 2016-12-28. Review status: criteria provided, single submitter. Criteria: LMM Criteria. Collection method: clinical testing. Allele origin: germline. Observed: 1 variant allele.
Comment: The p.Glu566Lys variant in POLD1 has not been previously reported in individuals with colorectal cancer, but has been identified in 1/15260 of South Asian chrom osomes by the Exome Aggregation Consortium (ExAC ; dbSNP rs372429157). Computational prediction tools and conservation analysis d o not provide strong support for or against an impact to the protein. In summary , the clinical significance of the p.Glu566Lys variant is uncertain.

Literature cited by the submitters: PubMed 31422818 (cited by Labcorp Genetics (formerly Invitae), Labcorp and Women's Health and Genetics/Laboratory Corporation of America, LabCorp); PubMed 34761457 (cited by Labcorp Genetics (formerly Invitae), Labcorp and Women's Health and Genetics/Laboratory Corporation of America, LabCorp); PubMed 31970404 (cited by Women's Health and Genetics/Laboratory Corporation of America, LabCorp).